The following is an entry in ClinVar:

ClinVar aggregate classification (germline): Uncertain significance. Review status: criteria provided, multiple submitters, no conflicts (2 of 4 stars). 2 submissions from 2 submitters: Uncertain significance (2). Last evaluated 2025-11-17.

Conditions:
Retinoblastoma (RB1). Also called: RETINOBLASTOMA, SOMATIC. Identifiers: Orphanet 790, MedGen C0035335, MeSH D012175, MONDO:0008380, OMIM 180200, HP:0009919. Disease mechanism: loss of function. Inheritance: Both sporadic and heritable forms are tested..
Hereditary cancer-predisposing syndrome. Also called: Neoplastic Syndromes, Hereditary; Tumor predisposition; Hereditary Cancer Syndrome; Hereditary neoplastic syndrome. Identifiers: Orphanet 140162, MedGen C0027672, MeSH D009386, MONDO:0015356.

Submissions (2):

Labcorp Genetics (formerly Invitae), Labcorp
Classification: Uncertain significance for Retinoblastoma. Last evaluated: 2025-11-17. Review status: criteria provided, single submitter. Criteria: Invitae Variant Classification Sherloc (09022015). Collection method: clinical testing. Allele origin: germline.
Comment: This sequence change replaces threonine, which is neutral and polar, with serine, which is neutral and polar, at codon 408 of the RB1 protein (p.Thr408Ser). This variant is not present in population databases (gnomAD no frequency). This variant has not been reported in the literature in individuals affected with RB1-related conditions. ClinVar contains an entry for this variant (Variation ID: 4151225). Invitae Evidence Modeling of protein sequence and biophysical properties (such as structural, functional, and spatial information, amino acid conservation, physicochemical variation, residue mobility, and thermodynamic stability) indicates that this missense variant is not expected to disrupt RB1 protein function with a negative predictive value of 80%. In summary, the available evidence is currently insufficient to determine the role of this variant in disease. Therefore, it has been classified as a Variant of Uncertain Significance.

Ambry Genetics
Classification: Uncertain significance for Hereditary cancer-predisposing syndrome. Last evaluated: 2025-09-13. Review status: criteria provided, single submitter. Criteria: Ambry Variant Classification Scheme 2023. Collection method: clinical testing. Allele origin: germline.
Comment: The p.T408S variant (also known as c.1222A>T), located in coding exon 13 of the RB1 gene, results from an A to T substitution at nucleotide position 1222. The threonine at codon 408 is replaced by serine, an amino acid with similar properties. This amino acid position is conserved. In addition, the in silico prediction for this alteration is inconclusive. Based on the available evidence, the clinical significance of this variant remains unclear.

NM_000321.3(RB1):c.1222A>T (p.Thr408Ser)

Gene: RB1 (RB transcriptional corepressor 1; plus strand). Cytogenetic location: 13q14.2.
Variant type: single nucleotide variant.
Coding change: c.1222A>T on transcript NM_000321.3 (MANE Select); coding-DNA position 1222, A replaced by T.
Protein change: p.Thr408Ser; replaces threonine 408 with serine.
Molecular consequence: missense variant.
Genome position (GRCh38, 1-based): chr13:48,376,924, A>T. VCF-style: chr13-48376924-A-T. GRCh37 (hg19) VCF-style: chr13-48951060-A-T.
Other names: c.1222A>T, p.Thr408Ser (NM_001407165.1, NM_001407166.1); short protein forms T408S.
Identifiers: ClinVar variation 4151225 (VCV004151225.2).